The following is an entry in ClinVar:

ClinVar aggregate classification (germline): Uncertain significance (1 of 4 stars; one submission).

Conditions:
Familial acute necrotizing encephalopathy (IIAE3). Also called: ENCEPHALOPATHY, ACUTE, INFECTION-INDUCED, SUSCEPTIBILITY TO, 3; Susceptibility to Acute Necrotizing Encephalopathy 1. Identifiers: Orphanet 88619, MedGen C2675556, MONDO:0011953, OMIM 608033.

Submission:

Clinical Genomics Laboratory, Washington University in St. Louis
Classification: Uncertain significance for Familial acute necrotizing encephalopathy. Last evaluated: 2023-10-24. Review status: criteria provided, single submitter. Criteria: ACMG Guidelines, 2015. Collection method: clinical testing. Allele origin: germline.
Comment: The RANBP2 c.4105del (p.Ala1369LeufsTer10) variant, to our knowledge, has not been reported in the medical literature and is absent from the general population (gnomAD v.2.1.1), indicating it is not a common variant. This variant causes a frameshift by deleting a single nucleotide, leading to a premature termination codon, which is predicted to lead to nonsense mediated decay. Due to limited information, the clinical significance of this variant is uncertain.

NM_006267.5(RANBP2):c.4105del (p.Ala1369fs)

Gene: RANBP2 (RAN binding protein 2; plus strand). Cytogenetic location: 2q13.
Variant type: Deletion.
Coding change: c.4105del on transcript NM_006267.5 (MANE Select); coding-DNA position 4105, one base deleted (G; older notation c.4105delG).
Protein change: p.Ala1369fs; shifts the reading frame from alanine 1369.
Molecular consequence: frameshift variant.
Genome position (GRCh38, 1-based): chr2:108,764,644, G deleted. VCF-style (leftmost placement, unchanged base first): chr2-108764643-TG-T. GRCh37 (hg19) VCF-style: chr2-109381099-TG-T.
Other names: c.4105del, p.Ala1369fs (NM_001415871.1, NM_001415873.1); c.4102del, p.Ala1368fs (NM_001415872.1); short protein forms A1368fs, A1369fs.
Identifiers: ClinVar variation 2672170 (VCV002672170.1), dbSNP rs2467621044, ClinGen allele CA2695200845.